The following is an entry in ClinVar:

NM_004168.4(SDHA):c.1373T>A (p.Leu458Ter)

Gene: SDHA (succinate dehydrogenase complex flavoprotein subunit A; plus strand). Cytogenetic location: 5p15.33.
Variant type: single nucleotide variant.
Coding change: c.1373T>A on transcript NM_004168.4 (MANE Select); coding-DNA position 1373, T replaced by A.
Protein change: p.Leu458Ter; replaces leucine 458 with a stop codon.
Molecular consequence: nonsense.
Genome position (GRCh38, 1-based): chr5:236,540, T>A. VCF-style: chr5-236540-T-A. GRCh37 (hg19) VCF-style: chr5-236655-T-A.
Other names: c.1229T>A, p.Leu410Ter (NM_001294332.2); c.1373T>A, p.Leu458Ter (NM_001330758.2); short protein forms L410*, L458*.
Identifiers: ClinVar variation 3148704 (VCV003148704.1), dbSNP rs2477376256, ClinGen allele CA359014025.

ClinVar aggregate classification (germline): Pathogenic (1 of 4 stars; one submission).

Conditions:
Pheochromocytoma/paraganglioma syndrome 5. Also called: Paragangliomas 5; SDHA-Related Hereditary Paraganglioma-Pheochromocytoma Syndrome. Identifiers: Orphanet 29072, MedGen C3279992, MONDO:0013602, OMIM 614165.

Submission:

Myriad Genetics, Inc.
Classification: Pathogenic for Pheochromocytoma/paraganglioma syndrome 5. Last evaluated: 2024-02-21. Review status: criteria provided, single submitter. Criteria: Myriad Autosomal Dominant, Autosomal Recessive and X-Linked Classification Criteria (2023). Collection method: clinical testing. Allele origin: unknown.
Comment: This variant is considered pathogenic. This variant creates a termination codon and is predicted to result in premature protein truncation.